The following is an entry in ClinVar:

ClinVar aggregate classification (germline): Uncertain significance. Review status: criteria provided, multiple submitters, no conflicts (2 of 4 stars). 4 submissions from 4 submitters: Uncertain significance (3). 1 of the submissions does not count toward it. Last evaluated 2023-11-27.

Conditions:
CDKN2A-related disorder. Also called: CDKN2A-related condition.
Hereditary cancer-predisposing syndrome. Also called: Neoplastic Syndromes, Hereditary; Tumor predisposition; Hereditary Cancer Syndrome; Hereditary neoplastic syndrome. Identifiers: Orphanet 140162, MedGen C0027672, MeSH D009386, MONDO:0015356.
Melanoma, cutaneous malignant, susceptibility to, 2 (CMM2). Also called: CDKN2A-Related Cutaneous Malignant Melanoma; Cutaneous malignant melanoma 2. Identifiers: Orphanet 618, MedGen C1835044, MONDO:0007964, OMIM 155601.
Melanoma and neural system tumor syndrome. Also called: MELANOMA-ASTROCYTOMA SYNDROME. Identifiers: Orphanet 252206, MedGen C1835042, MONDO:0007967, OMIM 155755.
Melanoma-pancreatic cancer syndrome. Identifiers: Orphanet 404560, MedGen C1838547, MONDO:0011713, OMIM 606719. Disease mechanism: loss of function.
Familial melanoma. Also called: Hereditary melanoma; Hereditary cutaneous melanoma. Identifiers: Orphanet 618, MedGen C1512419, MONDO:0018961.

Allele frequency attached by ClinVar (database versions not stated): gnomAD exomes below 0.00001; TOPMed below 0.00001.
gnomAD v4.1: 3 of 1,613,474 alleles (0.00019%); highest among the groups gnomAD compares: Non-Finnish European, 0.00025%; no homozygotes.

Submissions (4):

Labcorp Genetics (formerly Invitae), Labcorp
Classification: Uncertain significance for Familial melanoma. Last evaluated: 2023-11-27. Review status: criteria provided, single submitter. Criteria: Invitae Variant Classification Sherloc (09022015). Collection method: clinical testing. Allele origin: germline.
Comment: This sequence change replaces asparagine, which is neutral and polar, with serine, which is neutral and polar, at codon 42 of the CDKN2A (p16INK4a) protein (p.Asn42Ser). This variant is not present in population databases (gnomAD no frequency). This variant has not been reported in the literature in individuals affected with CDKN2A (p16INK4a)-related conditions. ClinVar contains an entry for this variant (Variation ID: 406711). An algorithm developed to predict the effect of missense changes on protein structure and function (PolyPhen-2) suggests that this variant is likely to be disruptive. In summary, the available evidence is currently insufficient to determine the role of this variant in disease. Therefore, it has been classified as a Variant of Uncertain Significance.

Ambry Genetics
Classification: Uncertain significance for Hereditary cancer-predisposing syndrome. Last evaluated: 2022-03-25. Review status: criteria provided, single submitter. Criteria: Ambry Variant Classification Scheme 2023. Collection method: clinical testing. Allele origin: germline.
Comment: The p.N42S variant (also known as c.125A>G), located in coding exon 1 of the CDKN2A gene, results from an A to G substitution at nucleotide position 125. The asparagine at codon 42 is replaced by serine, an amino acid with highly similar properties. This amino acid position is well conserved in available vertebrate species. In addition, the in silico prediction for this alteration is inconclusive. Since supporting evidence is limited at this time, the clinical significance of this alteration remains unclear.

Fulgent Genetics
Classification: Uncertain significance for Melanoma, cutaneous malignant, susceptibility to, 2; Melanoma and neural system tumor syndrome; Melanoma-pancreatic cancer syndrome. Last evaluated: 2021-09-02. Review status: criteria provided, single submitter. Criteria: ACMG Guidelines, 2015. Collection method: clinical testing. Allele origin: unknown.

PreventionGenetics, part of Exact Sciences
Classification: Uncertain significance for CDKN2A-related condition. Last evaluated: 2024-07-18. Review status: no assertion criteria provided. Collection method: clinical testing. Allele origin: germline. Not counted in ClinVar's aggregate classification.
Comment: The CDKN2A c.125A>G variant is predicted to result in the amino acid substitution p.Asn42Ser. To our knowledge, this variant has not been reported in the literature or in gnomAD, indicating this variant is rare. This variant is interpreted as a variant of uncertain significance by multiple submitters in ClinVar. At this time, the clinical significance of this variant is uncertain due to the absence of conclusive functional and genetic evidence.

NM_000077.5(CDKN2A):c.125A>G (p.Asn42Ser)

Gene: CDKN2A (cyclin dependent kinase inhibitor 2A; minus strand). Cytogenetic location: 9p21.3.
Variant type: single nucleotide variant.
Coding change: c.125A>G on transcript NM_000077.5; coding-DNA position 125, A replaced by G.
Protein change: p.Asn42Ser; replaces asparagine 42 with serine.
Molecular consequence: missense variant (on NM_000077.6). On other transcripts: intron variant (2).
Genome position (GRCh38, 1-based): chr9:21,974,703, T>C on the plus strand (A>G on the coding strand, the complement: CDKN2A is on the minus strand). VCF-style: chr9-21974703-T-C. GRCh37 (hg19) VCF-style: chr9-21974702-T-C.
Other names: c.125A>G, p.Asn42Ser (NM_000077.6, NM_001195132.2, NM_058197.5); c.-3-3495A>G (NM_001363763.2); c.194-3495A>G (NM_058195.4); short protein forms N42S.
Identifiers: ClinVar variation 406711 (VCV000406711.13), dbSNP rs1060501264, ClinGen allele CA16612713.
Genomic context (GRCh38, chr9:21,974,703, plus strand): 5'-CCATCCCCTGCTCCCGCTGCAGACCCTCTACCCACCTGGATCGGCCTCCGACCGTAACTA[T>C]TCGGTGCGTTGGGCAGCGCCCCCGCCTCCAGCAGCGCCCGCACCTCCTCTACCCGACCCC-3'
Protein context (NP_000068.1, residues 32-52): LEAGALPNAP[Asn42Ser]SYGRRPIQVM